The following is an entry in ClinVar:

NM_001267550.2(TTN):c.89425del (p.Arg29809fs)

Genes: TTN (titin; minus strand), TTN-AS1 (TTN antisense RNA 1; plus strand). Cytogenetic location: 2q31.2.
Variant type: Deletion.
Coding change: c.89425del on transcript NM_001267550.2 (MANE Select); coding-DNA position 89425, one base deleted (C; older notation c.89425delC).
Protein change: p.Arg29809fs; shifts the reading frame from arginine 29809.
Molecular consequence: frameshift variant.
Genome position (GRCh38, 1-based): chr2:178,553,580, G deleted on the plus strand (C on the coding strand, the reverse complement: TTN is on the minus strand); the first of 2 consecutive G bases (chr2:178,553,580-178,553,581); deleting either gives the same sequence. VCF-style (leftmost placement, unchanged base first): chr2-178553579-CG-C. GRCh37 (hg19) VCF-style: chr2-179418306-CG-C.
Other names: c.84502del, p.Arg28168fs (NM_001256850.1); c.62230del, p.Arg20744fs (NM_003319.4); c.81721del, p.Arg27241fs (NM_133378.4); c.62605del, p.Arg20869fs (NM_133432.3); c.62806del, p.Arg20936fs (NM_133437.4); short protein forms R20744fs, R28168fs, R29809fs, R20869fs, R20936fs, R27241fs.
Identifiers: ClinVar variation 2950626 (VCV002950626.5), dbSNP rs2469333342, ClinGen allele CA2586970746.

ClinVar aggregate classification (germline): Likely pathogenic. Review status: criteria provided, multiple submitters, no conflicts (2 of 4 stars). 2 submissions from 2 submitters: Likely pathogenic (2). Last evaluated 2025-02-18.

Conditions:
Dilated cardiomyopathy 1G (CMD1G). Identifiers: Orphanet 154, MedGen C1858763, MONDO:0011400, OMIM 604145.
Autosomal recessive limb-girdle muscular dystrophy type 2J (LGMDR10). Also called: MUSCULAR DYSTROPHY, LIMB-GIRDLE, AUTOSOMAL RECESSIVE 10; Limb-girdle muscular dystrophy, type 2J. Identifiers: Orphanet 140922, MedGen C1837342, MONDO:0012127, OMIM 608807.

Submissions (2):

Labcorp Genetics (formerly Invitae), Labcorp
Classification: Likely pathogenic for Dilated cardiomyopathy 1G; Autosomal recessive limb-girdle muscular dystrophy type 2J. Last evaluated: 2025-02-18. Review status: criteria provided, single submitter. Criteria: Invitae Variant Classification Sherloc (09022015). Collection method: clinical testing. Allele origin: germline.
Comment: This sequence change creates a premature translational stop signal (p.Arg29809Glyfs*5) in the TTN gene. While this is not anticipated to result in nonsense mediated decay, it is expected to create a truncated TTN protein. This variant is not present in population databases (gnomAD no frequency). This premature translational stop signal has been observed in individual(s) with dilated cardiomyopathy (PMID: 33996946). ClinVar contains an entry for this variant (Variation ID: 2950626). This variant is located in the A band of TTN (PMID: 25589632). Truncating variants in this region are significantly overrepresented in patients affected with dilated cardiomyopathy (PMID: 25589632). Truncating variants in this region have also been reported in individuals affected with autosomal recessive centronuclear myopathy (PMID: 23975875). In summary, the currently available evidence indicates that the variant is pathogenic, but additional data are needed to prove that conclusively. Therefore, this variant has been classified as Likely Pathogenic.

Juno Genomics, Hangzhou Juno Genomics, Inc
Classification: Likely pathogenic for Dilated cardiomyopathy 1G. Review status: criteria provided, single submitter. Criteria: ACMG Guidelines, 2015. Collection method: clinical testing. Allele origin: germline.
Comment: Absent from controls (or at extremely low frequency if recessive) in Genome Aggregation Database.;Null variant in a gene where loss of function (LOF) is a known mechanism of disease.

Literature cited by the submitters: PubMed 33996946 (cited by Labcorp Genetics (formerly Invitae), Labcorp); PubMed 25589632 (cited by Labcorp Genetics (formerly Invitae), Labcorp); PubMed 23975875 (cited by Labcorp Genetics (formerly Invitae), Labcorp).